The following is an entry in ClinVar:

ClinVar aggregate classification (germline): Likely benign. Review status: criteria provided, multiple submitters, no conflicts (2 of 4 stars). 6 submissions from 6 submitters: Likely benign (6). Last evaluated 2025-12-09.

Conditions:
Cardiovascular phenotype. Identifiers: MedGen CN230736.
Catecholaminergic polymorphic ventricular tachycardia (CVPT). Also called: Catecholamine-induced polymorphic ventricular tachycardia. Identifiers: Orphanet 3286, MedGen C5574922, MONDO:0017990.
Cardiomyopathy (CMYO). Also called: Cardiomyopathies. Identifiers: Orphanet 167848, MedGen C0878544, MONDO:0004994, HP:0001638. Inheritance: Various modes of inheritance.
Catecholaminergic polymorphic ventricular tachycardia 1. Also called: VENTRICULAR TACHYCARDIA, CATECHOLAMINERGIC POLYMORPHIC, 1, WITH OR WITHOUT ATRIAL DYSFUNCTION AND/OR DILATED CARDIOMYOPATHY; RYR2-Related Catecholaminergic Polymorphic Ventricular Tachycardia; VENTRICULAR TACHYCARDIA, STRESS-INDUCED POLYMORPHIC 1. Identifiers: Orphanet 3286, MedGen C1631597, MONDO:0011484, OMIM 604772.

Allele frequency attached by ClinVar (database versions not stated): TOPMed 0.00016.
gnomAD v4.1: 33 of 1,613,560 alleles (0.002%); highest among the groups gnomAD compares: African/African-American, 0.041%; 1 homozygote.

Submissions (6):

Labcorp Genetics (formerly Invitae), Labcorp
Classification: Likely benign for Catecholaminergic polymorphic ventricular tachycardia 1. Last evaluated: 2025-12-09. Review status: criteria provided, single submitter. Criteria: Invitae Variant Classification Sherloc (09022015). Collection method: clinical testing. Allele origin: germline.

Women's Health and Genetics/Laboratory Corporation of America, LabCorp
Classification: Likely benign. Last evaluated: 2024-09-23. Review status: criteria provided, single submitter. Criteria: LabCorp Variant Classification Summary - May 2015. Collection method: clinical testing. Allele origin: germline.

All of Us Research Program, National Institutes of Health
Classification: Likely benign for Catecholaminergic polymorphic ventricular tachycardia. Last evaluated: 2024-02-05. Review status: criteria provided, single submitter. Criteria: ACMG Guidelines, 2015. Collection method: clinical testing. Allele origin: germline. Inheritance: Autosomal dominant inheritance. Observed: 9 variant alleles, 9 heterozygotes.
Comment: This study involves interpretation of variants in research participants for the purpose of population health screening. Participant phenotype was not available at the time of variant classification. Additional details can be found in publication PMID: 35346344, PMCID: PMC8962531

Ambry Genetics
Classification: Likely benign for Cardiovascular phenotype. Last evaluated: 2020-02-25. Review status: criteria provided, single submitter. Criteria: Ambry Variant Classification Scheme 2023. Collection method: clinical testing. Allele origin: germline.

Color Diagnostics, LLC DBA Color Health
Classification: Likely benign for Cardiomyopathy. Last evaluated: 2019-10-01. Review status: criteria provided, single submitter. Criteria: ACMG Guidelines, 2015. Collection method: clinical testing. Allele origin: germline.

Blueprint Genetics
Classification: Likely benign. Last evaluated: 2018-06-13. Review status: criteria provided, single submitter. Criteria: ACMG Guidelines, 2015. Collection method: clinical testing. Allele origin: germline.

NM_001035.3(RYR2):c.7161G>C (p.Ala2387=)

Gene: RYR2 (ryanodine receptor 2; plus strand). Cytogenetic location: 1q43.
Variant type: single nucleotide variant.
Coding change: c.7161G>C on transcript NM_001035.3 (MANE Select); coding-DNA position 7161, G replaced by C.
Protein change: p.Ala2387=; no amino-acid change (alanine 2387 retained).
Molecular consequence: synonymous variant.
Genome position (GRCh38, 1-based): chr1:237,640,942, G>C. VCF-style: chr1-237640942-G-C. GRCh37 (hg19) VCF-style: chr1-237804242-G-C.
Identifiers: ClinVar variation 700713 (VCV000700713.19), dbSNP rs371560909, ClinGen allele CA087312.